The following is an entry in ClinVar:

NM_005045.4(RELN):c.5194C>T (p.Leu1732Phe)

Gene: RELN (reelin; minus strand). Cytogenetic location: 7q22.1.
Variant type: single nucleotide variant.
Coding change: c.5194C>T on transcript NM_005045.4 (MANE Select); coding-DNA position 5194, C replaced by T.
Protein change: p.Leu1732Phe; replaces leucine 1732 with phenylalanine.
Molecular consequence: missense variant.
Genome position (GRCh38, 1-based): chr7:103,565,294, G>A on the plus strand (C>T on the coding strand, the complement: RELN is on the minus strand). VCF-style: chr7-103565294-G-A. GRCh37 (hg19) VCF-style: chr7-103205741-G-A.
Other names: c.5194C>T, p.Leu1732Phe (NM_173054.3); short protein forms L1732F.
Identifiers: ClinVar variation 580382 (VCV000580382.19), dbSNP rs755485060, ClinGen allele CA4421310.
Genomic context (GRCh38, chr7:103,565,294, plus strand): 5'-CAGGCACCCAAAGTTCTGACATGTAGCCAAATGACAATTCTCACATGGTGGAGAGTGGAA[G>A]GTAGACAGTGATCCGCTTCCAATTCTGGAATCTTTCCGAGGTGTAAATTGAACTTTCCGT-3'
Protein context (NP_005036.2, residues 1722-1742): FQNWKRITVY[Leu1732Phe]PLSTISPRTR

ClinVar aggregate classification (germline): Conflicting classifications of pathogenicity. Review status: criteria provided, conflicting classifications (1 of 4 stars). 5 submissions from 5 submitters: Uncertain significance (2); Likely benign (1). 2 of the submissions do not count toward it. Last evaluated 2026-03-01.

Conditions:
Norman-Roberts syndrome (LIS2). Also called: Lissencephaly 2 (Norman-Roberts type). Identifiers: Orphanet 89844, MedGen C0796089, MONDO:0009760, OMIM 257320.
Familial temporal lobe epilepsy 7. Identifiers: Orphanet 101046, MedGen C4225327, MONDO:0014639, OMIM 616436.

Allele frequency attached by ClinVar (database versions not stated): ExAC 0.00002; gnomAD exomes 0.00005 and 0.00012; gnomAD 0.00006; TOPMed 0.00006.
gnomAD v4.1: 175 of 1,614,042 alleles (0.011%); highest among the groups gnomAD compares: Non-Finnish European, 0.015%; no homozygotes.

Submissions (5):

CeGaT Center for Human Genetics Tuebingen
Classification: Likely benign. Last evaluated: 2026-03-01. Review status: criteria provided, single submitter. Criteria: CeGaT Center For Human Genetics Tuebingen Variant Classification Criteria Version 2. Collection method: clinical testing. Allele origin: germline. Affected: yes. Observed: 1 variant allele.
Comment: RELN: BP4

Labcorp Genetics (formerly Invitae), Labcorp
Classification: Uncertain significance for Familial temporal lobe epilepsy 7; Norman-Roberts syndrome. Last evaluated: 2025-04-07. Review status: criteria provided, single submitter. Criteria: Invitae Variant Classification Sherloc (09022015). Collection method: clinical testing. Allele origin: germline.
Comment: This sequence change replaces leucine, which is neutral and non-polar, with phenylalanine, which is neutral and non-polar, at codon 1732 of the RELN protein (p.Leu1732Phe). This variant is present in population databases (rs755485060, gnomAD 0.009%). This variant has not been reported in the literature in individuals affected with RELN-related conditions. ClinVar contains an entry for this variant (Variation ID: 580382). Invitae Evidence Modeling of protein sequence and biophysical properties (such as structural, functional, and spatial information, amino acid conservation, physicochemical variation, residue mobility, and thermodynamic stability) indicates that this missense variant is not expected to disrupt RELN protein function with a negative predictive value of 80%. In summary, the available evidence is currently insufficient to determine the role of this variant in disease. Therefore, it has been classified as a Variant of Uncertain Significance.

GeneDx
Classification: Uncertain significance. Last evaluated: 2020-02-06. Review status: criteria provided, single submitter. Criteria: GeneDx Variant Classification Process June 2021. Collection method: clinical testing. Allele origin: germline. Affected: yes.
Comment: Not observed at a significant frequency in large population cohorts (Lek et al., 2016); In silico analysis supports that this missense variant does not alter protein structure/function; Has not been previously published as pathogenic or benign to our knowledge

Clinical Genetics DNA and cytogenetics Diagnostics Lab, Erasmus MC, Erasmus Medical Center
Classification: Uncertain significance. Review status: no assertion criteria provided. Collection method: clinical testing. Allele origin: germline. Affected: yes. Study: VKGL Data-share Consensus. Not counted in ClinVar's aggregate classification.

Laboratory of Diagnostic Genome Analysis, Leiden University Medical Center (LUMC)
Classification: Uncertain significance. Review status: no assertion criteria provided. Collection method: clinical testing. Allele origin: germline. Affected: yes. Study: VKGL Data-share Consensus. Not counted in ClinVar's aggregate classification.